The following is an entry in ClinVar:

ClinVar aggregate classification (germline): Uncertain significance. Review status: criteria provided, multiple submitters, no conflicts (2 of 4 stars). 3 submissions from 3 submitters: Uncertain significance (3). Last evaluated 2025-11-05.

Conditions:
Hypertrophic cardiomyopathy 1 (CMH1). Also called: Familial hypertrophic cardiomyopathy 1; MYH7-Related Familial Hypertrophic Cardiomyopathy. Identifiers: MedGen C3495498, MONDO:0008647, OMIM 192600.

Allele frequency attached by ClinVar (database versions not stated): gnomAD 0.00001; gnomAD exomes 0.00002 and 0.00006; TOPMed 0.00005; ExAC 0.00007; ESP Exome Variant Server 0.00008.

Submissions (3):

Labcorp Genetics (formerly Invitae), Labcorp
Classification: Uncertain significance for Hypertrophic cardiomyopathy 1. Last evaluated: 2025-11-05. Review status: criteria provided, single submitter. Criteria: Invitae Variant Classification Sherloc (09022015). Collection method: clinical testing. Allele origin: germline.
Comment: This sequence change replaces glycine, which is neutral and non-polar, with glutamic acid, which is acidic and polar, at codon 589 of the MYLK2 protein (p.Gly589Glu). This variant is present in population databases (rs201168172, gnomAD 0.01%). This variant has not been reported in the literature in individuals affected with MYLK2-related conditions. ClinVar contains an entry for this variant (Variation ID: 449261). An algorithm developed to predict the effect of missense changes on protein structure and function (PolyPhen-2) suggests that this variant is likely to be disruptive. In summary, the available evidence is currently insufficient to determine the role of this variant in disease. Therefore, it has been classified as a Variant of Uncertain Significance.

Ambry Genetics
Classification: Uncertain significance. Last evaluated: 2025-04-03. Review status: criteria provided, single submitter. Criteria: Ambry Variant Classification Scheme 2023. Collection method: clinical testing. Allele origin: germline.

GeneDx
Classification: Uncertain significance. Last evaluated: 2017-10-03. Review status: criteria provided, single submitter. Criteria: GeneDx Variant Classification (06012015). Collection method: clinical testing. Allele origin: germline. Affected: yes.
Comment: A variant of uncertain significance has been identified in the MYLK2 gene. The G589E variant has not been published as a pathogenic variant, nor has it been reported as a benign variant to our knowledge. The G589E variant was not observed with any significant frequency in approximately 6,500 individuals of European and African American ancestry in the NHLBI Exome Sequencing Project. The G589E variant is a non-conservative amino acid substitution, which is likely to impact secondary protein structure as these residues differ in polarity, charge, size and/or other properties. This substitution occurs at a position that is conserved across species. However, in silico analysis is inconsistent in its predictions as to whether or not the variant is damaging to the protein structure/function.

NM_033118.4(MYLK2):c.1766G>A (p.Gly589Glu)

Gene: MYLK2 (myosin light chain kinase 2; plus strand). Cytogenetic location: 20q11.21.
Variant type: single nucleotide variant.
Coding change: c.1766G>A on transcript NM_033118.4 (MANE Select); coding-DNA position 1766, G replaced by A.
Protein change: p.Gly589Glu; replaces glycine 589 with glutamic acid.
Molecular consequence: missense variant.
Genome position (GRCh38, 1-based): chr20:31,833,772, G>A. VCF-style: chr20-31833772-G-A. GRCh37 (hg19) VCF-style: chr20-30421575-G-A.
Other names: short protein forms G589E.
Identifiers: ClinVar variation 449261 (VCV000449261.10), dbSNP rs201168172, ClinGen allele CA9803331.
Genomic context (GRCh38, chr20:31,833,772, plus strand): 5'-TCTAGAAAAACTTCATTGCTGTCAGCGCTGCCAACCGCTTCAAGAAGATCAGCAGCTCGG[G>A]GGCACTGATGGCTCTGGGGGTCTGAGCCCTGGGCGCAGCTGAAGCCTGGACGCAGCCACA-3'
Protein context (NP_149109.1, residues 579-596): ANRFKKISSS[Gly589Glu]ALMALGV